The following is an entry in ClinVar:

ClinVar aggregate classification (germline): Likely benign (1 of 4 stars; one submission).

Allele frequency attached by ClinVar (database versions not stated): 1000 Genomes Project 0.00140; 1000 Genomes Project 30x 0.00328; gnomAD exomes 0.00840; ExAC 0.02601.

Submission:

CeGaT Center for Human Genetics Tuebingen
Classification: Likely benign. Last evaluated: 2022-12-01. Review status: criteria provided, single submitter. Criteria: CeGaT Center For Human Genetics Tuebingen Variant Classification Criteria Version 2. Collection method: clinical testing. Allele origin: germline. Affected: yes. Observed: 2 variant alleles.
Comment: UBTFL1: BS2

NM_001143975.1(UBTFL1):c.920G>A (p.Gly307Asp)

Gene: UBTFL1 (upstream binding transcription factor like 1; plus strand). Cytogenetic location: 11q14.3.
Variant type: single nucleotide variant.
Coding change: c.920G>A on transcript NM_001143975.1 (MANE Select); coding-DNA position 920, G replaced by A.
Protein change: p.Gly307Asp; replaces glycine 307 with aspartic acid.
Molecular consequence: missense variant.
Genome position (GRCh38, 1-based): chr11:90,086,869, G>A. VCF-style: chr11-90086869-G-A. GRCh37 (hg19) VCF-style: chr11-89820037-G-A.
Other names: short protein forms G307D.
Identifiers: ClinVar variation 2642264 (VCV002642264.24), dbSNP rs199875717, ClinGen allele CA6224692.